The following is an entry in ClinVar:

NM_001160372.4(TRAPPC9):c.1495+3G>C

Gene: TRAPPC9 (trafficking protein particle complex subunit 9; minus strand). Cytogenetic location: 8q24.3.
Variant type: single nucleotide variant.
Coding change: c.1495+3G>C on transcript NM_001160372.4 (MANE Select); 3 bases into the intron after coding-DNA position 1495, G replaced by C.
Molecular consequence: intron variant.
Genome position (GRCh38, 1-based): chr8:140,360,047, C>G on the plus strand (G>C on the coding strand, the complement: TRAPPC9 is on the minus strand). VCF-style: chr8-140360047-C-G. GRCh37 (hg19) VCF-style: chr8-141370146-C-G.
Other names: c.1495+3G>C (NM_031466.8, NM_001374683.1); c.1468+3G>C (NM_001321646.2); c.1351+10917G>C (NM_001374684.1); c.1516+3G>C (NM_001374682.1).
Identifiers: ClinVar variation 2019966 (VCV002019966.4), dbSNP rs1388466227, ClinGen allele CA585310048.

ClinVar aggregate classification (germline): Uncertain significance (1 of 4 stars; one submission).

Allele frequency attached by ClinVar (database versions not stated): TOPMed below 0.00001; gnomAD 0.00001.
gnomAD v4.1: 3 of 1,613,980 alleles (0.00019%); highest among the groups gnomAD compares: African/African-American, 0.0013%; no homozygotes.

Submission:

Labcorp Genetics (formerly Invitae), Labcorp
Classification: Uncertain significance. Last evaluated: 2022-07-27. Review status: criteria provided, single submitter. Criteria: Invitae Variant Classification Sherloc (09022015). Collection method: clinical testing. Allele origin: germline.
Comment: In summary, the available evidence is currently insufficient to determine the role of this variant in disease. Therefore, it has been classified as a Variant of Uncertain Significance. Variants that disrupt the consensus splice site are a relatively common cause of aberrant splicing (PMID: 17576681, 9536098). Algorithms developed to predict the effect of sequence changes on RNA splicing suggest that this variant may disrupt the consensus splice site. This variant has not been reported in the literature in individuals affected with TRAPPC9-related conditions. This variant is present in population databases (no rsID available, gnomAD 0.01%). This sequence change falls in intron 9 of the TRAPPC9 gene. It does not directly change the encoded amino acid sequence of the TRAPPC9 protein. It affects a nucleotide within the consensus splice site.

Literature cited by the submitters: PubMed 17576681; PubMed 9536098.